The following is an entry in ClinVar:

ClinVar aggregate classification (germline): Uncertain significance (1 of 4 stars; one submission).

Conditions:
Hereditary cancer-predisposing syndrome. Also called: Hereditary Cancer Syndrome; Hereditary neoplastic syndrome; Neoplastic Syndromes, Hereditary; Tumor predisposition. Identifiers: Orphanet 140162, MedGen C0027672, MeSH D009386, MONDO:0015356.

Allele frequency attached by ClinVar (database versions not stated): gnomAD exomes below 0.00001.
gnomAD v4.1: 2 of 1,614,120 alleles (0.00012%); highest among the groups gnomAD compares: Non-Finnish European, 0.00017%; no homozygotes.

Submission:

Ambry Genetics
Classification: Uncertain significance for Hereditary cancer-predisposing syndrome. Last evaluated: 2026-08-24. Review status: criteria provided, single submitter. Criteria: Ambry Variant Classification Scheme 2023. Collection method: clinical testing. Allele origin: germline.
Comment: The p.C1039Y variant (also known as c.3116G>A), located in coding exon 14 of the MET gene, results from a G to A substitution at nucleotide position 3116. The cysteine at codon 1039 is replaced by tyrosine, an amino acid with highly dissimilar properties. This amino acid position is highly conserved in available vertebrate species. In addition, this alteration is predicted to be deleterious by in silico analysis. Based on the available evidence, the clinical significance of this variant remains unclear.

NM_000245.4(MET):c.3062G>A (p.Cys1021Tyr)

Gene: MET (MET proto-oncogene, receptor tyrosine kinase; plus strand). Cytogenetic location: 7q31.2.
Variant type: single nucleotide variant.
Coding change: c.3062G>A on transcript NM_000245.4 (MANE Select); coding-DNA position 3062, G replaced by A.
Protein change: p.Cys1021Tyr; replaces cysteine 1021 with tyrosine.
Molecular consequence: missense variant.
Genome position (GRCh38, 1-based): chr7:116,774,914, G>A. VCF-style: chr7-116774914-G-A. GRCh37 (hg19) VCF-style: chr7-116414968-G-A.
Other names: c.3116G>A, p.Cys1039Tyr (NM_001127500.3); c.1772G>A, p.Cys591Tyr (NM_001324402.2); short protein forms C591Y, C1039Y, C1021Y.
Identifiers: ClinVar variation 2495514 (VCV002495514.3), dbSNP rs2117029854, ClinGen allele CA368987900.